The following continues an entry in ClinVar:

NM_000516.7(GNAS):c.565_568del (p.Asp189fs)

Gene: GNAS. ClinVar aggregate classification (germline): Conflicting classifications of pathogenicity. Pathogenic (17); Likely pathogenic (1); Uncertain significance (1).

Submissions 11 to 24 of 24:

Illumina Laboratory Services, Illumina
Classification: Pathogenic for Disorders of GNAS Inactivation. Last evaluated: 2023-08-04. Review status: criteria provided, single submitter. Criteria: ICSLVariantClassificationCriteria RUGD 01 April 2020. Collection method: clinical testing. Allele origin: unknown.
Comment: The GNAS c.565_568del (p.Asp189MetfsTer14) variant causes a shift in the protein reading frame that is predicted to result in premature termination of the protein. Loss of normal protein function through either protein truncation or nonsense-mediated mRNA decay is expected. This variant has been identified in multiple individuals with phenotypes consistent with disorders of GNAS inactivation (PMID: 23796510; 35296306). The c.565_568del variant is not observed in version 2.1.1 or version 3.1.2 of the Genome Aggregation Database. Functional studies conducted in patient cells demonstrated that this variant leads to reduced mRNA expression (PMID: 1505964). This variant has been classified as pathogenic by multiple submitters in ClinVar. Based on the available evidence, the c.565_568del variant is classified as pathogenic for disorders of GNAS inactivation.

Ambry Genetics
Classification: Pathogenic for Inborn genetic diseases. Last evaluated: 2023-01-25. Review status: criteria provided, single submitter. Criteria: Ambry Variant Classification Scheme 2023. Collection method: clinical testing. Allele origin: germline.
Comment: The c.565_568delGACT (p.D189Mfs*14) alteration, located in exon 7 (coding exon 7) of the GNAS gene, consists of a deletion of 4 nucleotides from position 565 to 568, causing a translational frameshift with a predicted alternate stop codon after 14 amino acids. This alteration is expected to result in loss of function by premature protein truncation or nonsense-mediated mRNA decay._x000D_ _x000D_ Based on the available evidence, the GNAS c.565_568delGACT (p.D189Mfs*14) alteration is classified as pathogenic for pseudohypoparathyroidism and pseudopseudohypoparathyroidism; however, it is unlikely to be causative of McCune-Albright syndrome. This variant was not reported in population-based cohorts in the Genome Aggregation Database (gnomAD). This alteration was detected in the heterozygous state in multiple individuals with pseudohypoparathyroidism or pseudopseudohypoparathyroidism (Chang, 2022; Goode, 2022; Itoh, 2022; Stembridge, 2021; Mendes, 2021; Ozaki, 2021; Crane, 2020; Snanoudj, 2020; Del Monte, 2019; Miyakawa, 2019; Salemi, 2018; Inta, 2014; Schrander, 2014; Elli, 2013; Lebrun, 2010; Adegbite, 2008; Shore, 2002; Weinstein, 1992) Based on the available evidence, this alteration is classified as pathogenic.

Fulgent Genetics
Classification: Pathogenic for Pseudohypoparathyroidism type I A; Progressive osseous heteroplasia; McCune-Albright syndrome; ACTH-independent macronodular adrenal hyperplasia 1; Pseudohypoparathyroidism type 1B; Pseudohypoparathyroidism type 1C; Pseudopseudohypoparathyroidism; Pituitary adenoma 3, multiple types. Last evaluated: 2022-04-25. Review status: criteria provided, single submitter. Criteria: ACMG Guidelines, 2015. Collection method: clinical testing. Allele origin: unknown.

New York Genome Center
Classification: Pathogenic for Pseudohypoparathyroidism type I A; Pseudohypoparathyroidism type 1B; Pseudohypoparathyroidism type 1C; Progressive osseous heteroplasia. Last evaluated: 2022-04-15. Review status: criteria provided, single submitter. Criteria: NYGC Assertion Criteria 2020. Collection method: clinical testing. Allele origin: germline. Observed: 1 heterozygote.
Comment: The c.565_568del p.(Asp189MetfsTer14) variant identified in the GNAS gene has previously been reported in many individuals with Progressive osseous heteroplasia as well as pseudohypoparathyroidism type 1a [PMID: 23796510, 11784876, 20427508, 30729047] and it has been deposited in ClinVar [ClinVarID: 15938] as Pathogenic. The c.565_568del variant is observed in 1 allele (0.0003% MAF with 0 homozygotes) in population databases (gnomAD v2.1.1 and v3.1.2,TOPMed Freeze 8), suggesting it is not a common benign variant in the populations represented in those databases. The c.565_568del p.(Asp189MetfsTer14) variant in the GNAS gene is located in exon 7 of this 13-exon gene, predicted to incorporate a premature termination codon (p.(Asp189MetfsTer14)), and is expected to resultin loss-of-function either through protein truncation or nonsense-mediated mRNA decay. Multiple loss-of-function variants that are downstream to the c.565_568del variant have been reported in the literature [PMID: 20427508, 31886927] in individuals with Progressive osseous heteroplasia or pseudohypoparathyroidism type 1a. Based on available evidence this c.565_568del p.(Asp189MetfsTer14) variant identified in GNAS is classified as Pathogenic.

GeneDx
Classification: Pathogenic. Last evaluated: 2022-04-06. Review status: criteria provided, single submitter. Criteria: GeneDx Variant Classification Process June 2021. Collection method: clinical testing. Allele origin: germline. Affected: yes.
Comment: Reported as a common pathogenic variant in association with disorders of GNAS inactivation (Haldeman-Englert et al., 2017); Published functional studies demonstrate a damaging effect (Weinstein et al., 1992; Inta et al., 2014); Frameshift variant predicted to result in protein truncation or nonsense mediated decay in a gene for which loss-of-function is a known mechanism of disease; Not observed in large population cohorts (gnomAD); This variant is associated with the following publications: (PMID: 29059381, 29072892, 24481334, 21525160, 24626099, 18553568, 15711092, 11784876, 12024004, 9876352, 30729047, 1505964, 20427508, 31793173, 31886927)

Genetics of Obesity Study, University of Cambridge
Classification: Pathogenic for Pseudohypoparathyroidism type I A. Last evaluated: 2020-06-01. Review status: criteria provided, single submitter. Criteria: ACMG Guidelines, 2015. Collection method: research. Allele origin: de novo. Affected: yes.

Johns Hopkins Genomics, Johns Hopkins University
Classification: Pathogenic for Pseudohypoparathyroidism type I A. Last evaluated: 2019-10-01. Review status: criteria provided, single submitter. Criteria: ACMG Guidelines, 2015. Collection method: clinical testing. Allele origin: germline.

Centre for Mendelian Genomics, University Medical Centre Ljubljana
Classification: Pathogenic for Pseudohypoparathyroidism type 1B. Last evaluated: 2019-02-24. Review status: criteria provided, single submitter. Criteria: ACMG Guidelines, 2015. Collection method: clinical testing. Allele origin: unknown. Affected: yes.
Comment: This variant was classified as: Pathogenic. The following ACMG criteria were applied in classifying this variant: PVS1,PM1,PM2,PP5.

Clinical Molecular Genetics Laboratory, Johns Hopkins All Children's Hospital
Classification: Pathogenic. Last evaluated: 2017-12-20. Review status: criteria provided, single submitter. Criteria: ACMG Guidelines, 2015. Collection method: clinical testing. Allele origin: germline.

OMIM
Classification: Pathogenic for PSEUDOHYPOPARATHYROIDISM, TYPE IA. Last evaluated: 2008-07-15. Review status: no assertion criteria provided. Collection method: literature only. Allele origin: germline. Not counted in ClinVar's aggregate classification.

OMIM
Classification: Pathogenic for OSSEOUS HETEROPLASIA, PROGRESSIVE. Last evaluated: 2008-07-15. Review status: no assertion criteria provided. Collection method: literature only. Allele origin: germline. Not counted in ClinVar's aggregate classification.

OMIM
Classification: Pathogenic for PSEUDOPSEUDOHYPOPARATHYROIDISM. Last evaluated: 2008-07-15. Review status: no assertion criteria provided. Collection method: literature only. Allele origin: germline. Not counted in ClinVar's aggregate classification.

GeneReviews
No classification provided. Condition: Progressive osseous heteroplasia. Review status: no classification provided. Collection method: literature only. Allele origin: germline. Not counted in ClinVar's aggregate classification.

Genomic Medicine Center of Excellence, King Faisal Specialist Hospital and Research Centre
Classification: Uncertain significance for Pseudohypoparathyroidism type 1B. Last evaluated: 2024-04-04. Review status: flagged submission. Criteria: ACMG Guidelines, 2015. Collection method: clinical testing. Allele origin: germline. Not counted in ClinVar's aggregate classification.
ClinVar note: Reason: Outlier claim with insufficient supporting evidence

Literature cited by the submitters: PubMed 11784876 (cited by 3 submitters); PubMed 23281139 (cited by Labcorp Genetics (formerly Invitae), Labcorp); PubMed 23796510 (cited by 4 submitters); PubMed 25802881 (cited by Labcorp Genetics (formerly Invitae), Labcorp); PubMed 20427508 (cited by 3 submitters); PubMed 1505964 (cited by 5 submitters); PubMed 18553568 (cited by 4 submitters); PubMed 29072892 (cited by Rady Children's Institute for Genomic Medicine, Rady Children's Hospital San Diego and GeneReviews); PubMed 38702915 (cited by Rady Children's Institute for Genomic Medicine, Rady Children's Hospital San Diego); PubMed 38274377 (cited by Rady Children's Institute for Genomic Medicine, Rady Children's Hospital San Diego); PubMed 35296306 (cited by Illumina Laboratory Services, Illumina and Ambry Genetics); PubMed 24481334 (cited by Ambry Genetics); PubMed 24626099 (cited by Ambry Genetics); PubMed 29059381 (cited by Ambry Genetics); PubMed 30674755 (cited by Ambry Genetics); PubMed 30729047 (cited by Ambry Genetics); PubMed 31793173 (cited by Ambry Genetics); PubMed 31886927 (cited by Ambry Genetics); PubMed 34254228 (cited by Ambry Genetics); PubMed 34418133 (cited by Ambry Genetics); PubMed 34614324 (cited by Ambry Genetics and Genetics of Obesity Study, University of Cambridge); PubMed 35357904 (cited by Ambry Genetics); PubMed 35497370 (cited by Ambry Genetics); PubMed 9876352 (cited by OMIM); Shore, E. M., Kaplan, F. S., Levine, M. A. GNAS1 mutations and progressive osseous heteroplasia. (Letter) New Eng. J. Med. 346: 1670-1671, 2002. (cited by OMIM); PubMed 12024004 (cited by OMIM); PubMed 15711092 (cited by OMIM); PubMed 25219572 (cited by GeneReviews).